The following is an entry in ClinVar:

ClinVar aggregate classification (germline): Uncertain significance (1 of 4 stars; one submission).

Conditions:
Atrioventricular septal defect, susceptibility to, 2. Identifiers: MedGen C1853508, MONDO:0011650, OMIM 606217.

Submission:

Labcorp Genetics (formerly Invitae), Labcorp
Classification: Uncertain significance for Atrioventricular septal defect 2. Last evaluated: 2019-09-25. Review status: criteria provided, single submitter. Criteria: Invitae Variant Classification Sherloc (09022015). Collection method: clinical testing. Allele origin: germline.
Comment: This variant results in a copy number gain of the genomic region encompassing the full coding sequence of the CRELD1 gene. The boundaries of this event are unknown as they extend beyond the assayed region for this gene and therefore may encompass additional genes. As the precise location of this event is unknown, it may be in tandem or it may be located elsewhere in the genome. This variant has not been reported in the literature in individuals with CRELD1-related conditions. In summary, the available evidence is currently insufficient to determine the role of this variant in disease. Therefore, it has been classified as a Variant of Uncertain Significance.

NC_000003.12:g.(?_9701780)_(9944589_?)dup

Genes: ARPC4 (actin related protein 2/3 complex subunit 4; plus strand), ARPC4-TTLL3 (ARPC4-TTLL3 readthrough; plus strand), BRPF1 (bromodomain and PHD finger containing 1; plus strand), CAMK1 (calcium/calmodulin dependent protein kinase I; minus strand), CIDEC (cell death inducing DFFA like effector c; minus strand) and 10 more. Cytogenetic location: 3p25.3.
Variant type: Duplication.
Identifiers: ClinVar variation 830761 (VCV000830761.1).